The following is an entry in ClinVar:

ClinVar aggregate classification (germline): Benign. Review status: criteria provided, multiple submitters, no conflicts (2 of 4 stars). 3 submissions from 3 submitters: Benign (3). Last evaluated 2026-01-21.

Allele frequency attached by ClinVar (database versions not stated): ExAC 0.00475; 1000 Genomes Project 0.00499; ESP Exome Variant Server 0.00538; gnomAD 0.00547 and 0.00585; TOPMed 0.00626; 1000 Genomes Project 30x 0.00640.
gnomAD v4.1: 3,938 of 1,559,584 alleles (0.25%); highest among the groups gnomAD compares: African/African-American, 1.5%; 19 homozygotes.

Submissions (10):

Labcorp Genetics (formerly Invitae), Labcorp
Classification: Benign. Last evaluated: 2026-01-21. Review status: criteria provided, single submitter. Criteria: Invitae Variant Classification Sherloc (09022015). Collection method: clinical testing. Allele origin: germline.

Mayo Clinic Laboratories, Mayo Clinic
Classification: Benign. Last evaluated: 2023-03-14. Review status: criteria provided, single submitter. Criteria: ACMG Guidelines, 2015. Collection method: clinical testing. Allele origin: germline. Observed: 4 variant alleles.
Comment: BS1, BS2

Breakthrough Genomics
Classification: Benign. Review status: criteria provided, single submitter. Criteria: ACMG Guidelines, 2015. Collection method: not provided. Allele origin: germline. Inheritance: Autosomal recessive inheritance. Affected: yes.

Dr. Peter K. Rogan Lab, Western University
No classification provided (evidence only). Condition: Lung cancer. Review status: no classification provided. Collection method: in vitro. Allele origin: not applicable. Functional consequence: skipped exon. Not counted in ClinVar's aggregate classification.

Dr. Peter K. Rogan Lab, Western University
No classification provided (evidence only). Condition: Thyroid cancer, nonmedullary, 1. Review status: no classification provided. Collection method: in vitro. Allele origin: not applicable. Functional consequence: skipped exon. Not counted in ClinVar's aggregate classification.

Dr. Peter K. Rogan Lab, Western University
No classification provided (evidence only). Condition: Thyroid cancer, nonmedullary, 1. Review status: no classification provided. Collection method: in vitro. Allele origin: not applicable. Functional consequence: skipped exon. Not counted in ClinVar's aggregate classification.

Dr. Peter K. Rogan Lab, Western University
No classification provided (evidence only). Condition: Thyroid cancer, nonmedullary, 1. Review status: no classification provided. Collection method: in vitro. Allele origin: not applicable. Functional consequence: skipped exon. Not counted in ClinVar's aggregate classification.

Dr. Peter K. Rogan Lab, Western University
No classification provided (evidence only). Condition: Uterine corpus endometrial carcinoma. Review status: no classification provided. Collection method: in vitro. Allele origin: not applicable. Functional consequence: skipped exon. Not counted in ClinVar's aggregate classification.

Dr. Peter K. Rogan Lab, Western University
No classification provided (evidence only). Condition: Cervical cancer. Review status: no classification provided. Collection method: in vitro. Allele origin: not applicable. Functional consequence: skipped exon. Not counted in ClinVar's aggregate classification.

Dr. Peter K. Rogan Lab, Western University
No classification provided (evidence only). Condition: Malignant tumor of esophagus. Review status: no classification provided. Collection method: in vitro. Allele origin: not applicable. Functional consequence: skipped exon. Not counted in ClinVar's aggregate classification.

NM_001368882.1(COL13A1):c.1770G>A (p.Pro590=)

Gene: COL13A1 (collagen type XIII alpha 1 chain; plus strand). Cytogenetic location: 10q22.1.
Variant type: single nucleotide variant.
Coding change: c.1770G>A on transcript NM_001368882.1 (MANE Select); coding-DNA position 1770, G replaced by A.
Protein change: p.Pro590=; no amino-acid change (proline 590 retained).
Molecular consequence: synonymous variant. On other transcripts: intron variant (6).
Genome position (GRCh38, 1-based): chr10:69,935,391, G>A. VCF-style: chr10-69935391-G-A. GRCh37 (hg19) VCF-style: chr10-71695147-G-A.
Other names: p.Pro579=; c.1737G>A, p.Pro579= (NM_001130103.2); c.1662G>A, p.Pro554= (NM_001320951.2); c.1062G>A, p.Pro354= (NM_001368886.1); c.1566G>A, p.Pro522= (NM_001368898.1); c.1521G>A, p.Pro507= (NM_080798.4); c.1680G>A, p.Pro560= (NM_080800.4); c.1671G>A, p.Pro557= (NM_080801.4); and 8 more.
Identifiers: ClinVar variation 710735 (VCV000710735.13), dbSNP rs114352207, ClinGen allele CA5534910.